The following is an entry in ClinVar:

ClinVar aggregate classification (germline): Likely benign. Review status: criteria provided, multiple submitters, no conflicts (2 of 4 stars). 2 submissions from 2 submitters: Likely benign (2). Last evaluated 2026-09-25.

Conditions:
PLOD3-related disorder. Also called: PLOD3-related condition.

Allele frequency attached by ClinVar (database versions not stated): ExAC 0.00001; gnomAD 0.00001.
gnomAD v4.1: 14 of 1,613,658 alleles (0.00087%); highest among the groups gnomAD compares: Admixed American, 0.0033%; no homozygotes.

Submissions (2):

PreventionGenetics, part of Exact Sciences
Classification: Likely benign for PLOD3-related condition. Last evaluated: 2026-09-25. Review status: criteria provided, single submitter. Criteria: ACMG Guidelines, 2015. Collection method: clinical testing. Allele origin: germline.
Comment: This variant is classified as likely benign based on ACMG/AMP sequence variant interpretation guidelines (Richards et al. 2015 PMID: 25741868, with internal and published modifications).

Labcorp Genetics (formerly Invitae), Labcorp
Classification: Likely benign. Last evaluated: 2024-07-30. Review status: criteria provided, single submitter. Criteria: Invitae Variant Classification Sherloc (09022015). Collection method: clinical testing. Allele origin: germline.

NM_001084.5(PLOD3):c.510C>T (p.Ile170=)

Gene: PLOD3 (procollagen-lysine,2-oxoglutarate 5-dioxygenase 3; minus strand). Cytogenetic location: 7q22.1.
Variant type: single nucleotide variant.
Coding change: c.510C>T on transcript NM_001084.5 (MANE Select); coding-DNA position 510, C replaced by T.
Protein change: p.Ile170=; no amino-acid change (isoleucine 170 retained).
Molecular consequence: synonymous variant.
Genome position (GRCh38, 1-based): chr7:101,216,013, G>A on the plus strand (C>T on the coding strand, the complement: PLOD3 is on the minus strand). VCF-style: chr7-101216013-G-A. GRCh37 (hg19) VCF-style: chr7-100859294-G-A.
Other names: c.510C>T (NM_001084.4).
Identifiers: ClinVar variation 2885071 (VCV002885071.4), dbSNP rs748081788, ClinGen allele CA4408160.